The following is an entry in ClinVar:

ClinVar aggregate classification (germline): Likely benign (1 of 4 stars; one submission).

gnomAD v4.1: 48 of 1,609,710 alleles (0.003%); highest among the groups gnomAD compares: Middle Eastern, 0.033%; no homozygotes.

Submission:

CeGaT Center for Human Genetics Tuebingen
Classification: Likely benign. Last evaluated: 2025-02-01. Review status: criteria provided, single submitter. Criteria: CeGaT Center For Human Genetics Tuebingen Variant Classification Criteria Version 2. Collection method: clinical testing. Allele origin: germline. Affected: yes. Observed: 1 variant allele.
Comment: LSS: BP4, BP7

NM_002340.6(LSS):c.1347C>T (p.Cys449=)

Gene: LSS (lanosterol synthase; minus strand). Cytogenetic location: 21q22.3.
Variant type: single nucleotide variant.
Coding change: c.1347C>T on transcript NM_002340.6 (MANE Select); coding-DNA position 1347, C replaced by T.
Protein change: p.Cys449=; no amino-acid change (cysteine 449 retained).
Molecular consequence: synonymous variant.
Genome position (GRCh38, 1-based): chr21:46,207,548, G>A on the plus strand (C>T on the coding strand, the complement: LSS is on the minus strand). VCF-style: chr21-46207548-G-A. GRCh37 (hg19) VCF-style: chr21-47627462-G-A.
Other names: c.1347C>T, p.Cys449= (NM_001001438.3); c.1314C>T, p.Cys438= (NM_001145436.2); c.1107C>T, p.Cys369= (NM_001145437.2).
Identifiers: ClinVar variation 3771599 (VCV003771599.13).
Genomic context (GRCh38, chr21:46,207,548, plus strand): 5'-CTCCTGCAGGAGCAGCACAGCCTTCAAGGCCTCAGCCGTGCAGTCAGAAACGATCCAGCC[G>A]CAGTCCAGCGTACTGAAGGAGAAGCCACCCTGCAGAGCACAAGCCATGACTCCAGGCTGG-3'
Protein context (NP_002331.3, residues 439-459): KGGFSFSTLD[Cys449=]GWIVSDCTAE